The following is an entry in ClinVar:

ClinVar aggregate classification (germline): Pathogenic/Likely pathogenic. Review status: criteria provided, multiple submitters, no conflicts (2 of 4 stars). 5 submissions from 5 submitters: Pathogenic (4); Likely pathogenic (1). Last evaluated 2025-03-04.

Conditions:
WFS1-related disorder. Identifiers: MedGen CN379391, MONDO:0700293.
Optic atrophy. Identifiers: MedGen C0029124, MONDO:0003608, HP:0000648.
Wolfram syndrome 1 (WFS1). Identifiers: Orphanet 3463, MedGen C4551693, MONDO:0009101, OMIM 222300.

gnomAD v4.1: 13 of 1,613,846 alleles (0.00081%); highest among the groups gnomAD compares: Non-Finnish European, 0.0011%; no homozygotes.

Submissions (5):

Institute of Human Genetics, University of Leipzig Medical Center
Classification: Pathogenic for Wolfram syndrome 1. Last evaluated: 2025-03-04. Review status: criteria provided, single submitter. Criteria: ACMG Guidelines, 2015. Collection method: clinical testing. Allele origin: paternal. Inheritance: Autosomal recessive inheritance. Affected: yes.
Comment: Criteria applied: PVS1,PM2,PM3; Identified as compund heterozygous with NM_006005.3:c.1234_1237del

Labcorp Genetics (formerly Invitae), Labcorp
Classification: Pathogenic. Last evaluated: 2024-12-10. Review status: criteria provided, single submitter. Criteria: Invitae Variant Classification Sherloc (09022015). Collection method: clinical testing. Allele origin: germline.
Comment: This sequence change creates a premature translational stop signal (p.Trp648*) in the WFS1 gene. While this is not anticipated to result in nonsense mediated decay, it is expected to disrupt the last 243 amino acid(s) of the WFS1 protein. This variant is present in population databases (rs150465110, gnomAD 0.004%). This premature translational stop signal has been observed in individual(s) with autosomal recessive Wolfram syndrome (PMID: 21564155, 21602428, 30957632, 39064493). ClinVar contains an entry for this variant (Variation ID: 1697349). For these reasons, this variant has been classified as Pathogenic.

Blueprint Genetics
Classification: Pathogenic for WFS1-related disorders. Last evaluated: 2024-02-20. Review status: criteria provided, single submitter. Criteria: ACMG Guidelines, 2015. Collection method: clinical testing. Allele origin: germline. Affected: yes. Observed: 5 variant alleles.

Institute of Human Genetics, Univ. Regensburg, Univ. Regensburg
Classification: Likely pathogenic for Optic atrophy. Last evaluated: 2022-01-01. Review status: criteria provided, single submitter. Criteria: ACMG Guidelines, 2015. Collection method: clinical testing. Allele origin: germline. Affected: yes.

Pars Genome Lab
Classification: Pathogenic for Wolfram syndrome 1. Review status: criteria provided, single submitter. Criteria: ACMG Guidelines, 2015. Collection method: clinical testing. Allele origin: germline. Inheritance: Autosomal recessive inheritance. Affected: yes.

Literature cited by the submitters: PubMed 21564155 (cited by Labcorp Genetics (formerly Invitae), Labcorp and Institute of Human Genetics, Univ. Regensburg, Univ. Regensburg); PubMed 21602428 (cited by Labcorp Genetics (formerly Invitae), Labcorp); PubMed 30957632 (cited by Labcorp Genetics (formerly Invitae), Labcorp); PubMed 39064493 (cited by Labcorp Genetics (formerly Invitae), Labcorp); PubMed 3095763 (cited by Institute of Human Genetics, Univ. Regensburg, Univ. Regensburg).

NM_006005.3(WFS1):c.1943G>A (p.Trp648Ter)

Gene: WFS1 (wolframin ER transmembrane glycoprotein; plus strand). Cytogenetic location: 4p16.1.
Variant type: single nucleotide variant.
Coding change: c.1943G>A on transcript NM_006005.3 (MANE Select); coding-DNA position 1943, G replaced by A.
Protein change: p.Trp648Ter; replaces tryptophan 648 with a stop codon.
Molecular consequence: nonsense.
Genome position (GRCh38, 1-based): chr4:6,301,738, G>A. VCF-style: chr4-6301738-G-A. GRCh37 (hg19) VCF-style: chr4-6303465-G-A.
Other names: c.1943G>A, p.Trp648Ter (NM_001145853.1); short protein forms W648*.
Identifiers: ClinVar variation 1697349 (VCV001697349.7), dbSNP rs150465110, ClinGen allele CA2839553.